The following is an entry in ClinVar:

NM_001083962.2(TCF4):c.1608C>T (p.Asp536=)

Gene: TCF4 (transcription factor 4; minus strand). Cytogenetic location: 18q21.2.
Variant type: single nucleotide variant.
Coding change: c.1608C>T on transcript NM_001083962.2 (MANE Select); coding-DNA position 1608, C replaced by T.
Protein change: p.Asp536=; no amino-acid change (aspartic acid 536 retained).
Molecular consequence: synonymous variant.
Genome position (GRCh38, 1-based): chr18:55,232,550, G>A on the plus strand (C>T on the coding strand, the complement: TCF4 is on the minus strand). VCF-style: chr18-55232550-G-A. GRCh37 (hg19) VCF-style: chr18-52899781-G-A.
Other names: c.1914C>T, p.Asp638= (NM_001243226.3); c.1536C>T, p.Asp512= (NM_001243227.2, NM_001306207.1, NM_001348217.1 and 5 more transcripts); c.1626C>T, p.Asp542= (NM_001243228.2); c.1599C>T, p.Asp533= (NM_001243230.2); c.1482C>T, p.Asp494= (NM_001243231.2, NM_001348211.2); c.1395C>T, p.Asp465= (NM_001243232.1, NM_001306208.1); c.1218C>T, p.Asp406= (NM_001243233.2, NM_001330605.3, NM_001348212.2 and 1 more transcripts); c.1128C>T, p.Asp376= (NM_001243234.2, NM_001243235.2, NM_001243236.2 and 1 more transcripts); and 6 more.
Identifiers: ClinVar variation 1588403 (VCV001588403.34), dbSNP rs370405835, ClinGen allele CA8970164.

ClinVar aggregate classification (germline): Likely benign. Review status: criteria provided, multiple submitters, no conflicts (2 of 4 stars). 3 submissions from 3 submitters: Likely benign (3). Last evaluated 2025-09-27.

Conditions:
Pitt-Hopkins syndrome (PTHS). Also called: ENCEPHALOPATHY, SEVERE EPILEPTIC, WITH AUTONOMIC DYSFUNCTION; MENTAL RETARDATION, SYNDROMAL, WITH INTERMITTENT HYPERVENTILATION. Identifiers: Orphanet 2896, MedGen C1970431, MONDO:0012589, OMIM 610954.
Inborn genetic diseases. Identifiers: MedGen C0950123, MeSH D030342.

Allele frequency attached by ClinVar (database versions not stated): ExAC 0.00001; gnomAD 0.00003; gnomAD exomes 0.00003; TOPMed 0.00003; ESP Exome Variant Server 0.00008; 1000 Genomes Project 30x 0.00016; 1000 Genomes Project 0.00020.
gnomAD v4.1: 53 of 1,614,016 alleles (0.0033%); highest among the groups gnomAD compares: Middle Eastern, 0.016%; no homozygotes.

Submissions (3):

Labcorp Genetics (formerly Invitae), Labcorp
Classification: Likely benign for Pitt-Hopkins syndrome. Last evaluated: 2025-09-27. Review status: criteria provided, single submitter. Criteria: Invitae Variant Classification Sherloc (09022015). Collection method: clinical testing. Allele origin: germline.

CeGaT Center for Human Genetics Tuebingen
Classification: Likely benign. Last evaluated: 2025-09-01. Review status: criteria provided, single submitter. Criteria: CeGaT Center For Human Genetics Tuebingen Variant Classification Criteria Version 2. Collection method: clinical testing. Allele origin: germline. Affected: yes. Observed: 3 variant alleles.
Comment: TCF4: BP4, BP7

Ambry Genetics
Classification: Likely benign for Inborn genetic diseases. Last evaluated: 2019-07-16. Review status: criteria provided, single submitter. Criteria: Ambry Variant Classification Scheme 2023. Collection method: clinical testing. Allele origin: germline.